The following is an entry in ClinVar:

NM_000535.7(PMS2):c.587C>A (p.Ala196Glu)

Gene: PMS2 (PMS1 homolog 2, mismatch repair system component; minus strand). Cytogenetic location: 7p22.1.
Variant type: single nucleotide variant.
Coding change: c.587C>A on transcript NM_000535.7 (MANE Select); coding-DNA position 587, C replaced by A.
Protein change: p.Ala196Glu; replaces alanine 196 with glutamic acid.
Molecular consequence: missense variant. On other transcripts: 5 prime UTR variant (2), non-coding transcript variant (1), intron variant (6).
Genome position (GRCh38, 1-based): chr7:5,999,226, G>T on the plus strand (C>A on the coding strand, the complement: PMS2 is on the minus strand). VCF-style: chr7-5999226-G-T. GRCh37 (hg19) VCF-style: chr7-6038857-G-T.
Other names: c.182C>A, p.Ala61Glu (NM_001322003.2, NM_001322004.2, NM_001322005.2 and 21 more transcripts); c.587C>A, p.Ala196Glu (NM_001322006.2, NM_001322014.2, NM_001406869.1 and 5 more transcripts); c.269C>A, p.Ala90Glu (NM_001322007.2, NM_001322008.2, NM_001406876.1 and 4 more transcripts); c.-347C>A (NM_001322011.2, NM_001322012.2); c.278C>A, p.Ala93Glu (NM_001322015.2, NM_001406875.1, NM_001406877.1 and 6 more transcripts); c.773C>A, p.Ala258Glu (NM_001406866.1); c.611C>A, p.Ala204Glu (NM_001406868.1); c.251C>A, p.Thr84Lys (NM_001406885.1); and 4 more; short protein forms A204E, A90E, A93E, A196E, A258E, A61E, T84K.
Identifiers: ClinVar variation 3421511 (VCV003421511.1).
Genomic context (GRCh38, chr7:5,999,226, plus strand): 5'-CATACCACAGGCTGTCGTTTTCCTTGTCCAAGCTGATTGGTGCAACTTACACGGATGCCT[G>T]CTGAAATGATACAGTATGCATGTAAGACCTGGACCATTTTGGCATACTCCTGTTTAAAAA-3'
Protein context (NP_000526.2, residues 186-206): QVLHAYCIIS[Ala196Glu]GIRVSCTNQL

ClinVar aggregate classification (germline): Uncertain significance (1 of 4 stars; one submission).

Conditions:
Hereditary cancer-predisposing syndrome. Also called: Neoplastic Syndromes, Hereditary; Tumor predisposition; Hereditary Cancer Syndrome; Hereditary neoplastic syndrome. Identifiers: Orphanet 140162, MedGen C0027672, MeSH D009386, MONDO:0015356.

Submission:

Ambry Genetics
Classification: Uncertain significance for Hereditary cancer-predisposing syndrome. Last evaluated: 2024-09-21. Review status: criteria provided, single submitter. Criteria: Ambry Variant Classification Scheme 2023. Collection method: clinical testing. Allele origin: germline.
Comment: The p.A196E variant (also known as c.587C>A), located in coding exon 6 of the PMS2 gene, results from a C to A substitution at nucleotide position 587. The alanine at codon 196 is replaced by glutamic acid, an amino acid with dissimilar properties. This amino acid position is conserved. In addition, this alteration is predicted to be tolerated by in silico analysis. Based on the available evidence, the clinical significance of this variant remains unclear.